The following is an entry in ClinVar:

NM_004655.4(AXIN2):c.1052A>G (p.His351Arg)

Gene: AXIN2 (axin 2; minus strand). Cytogenetic location: 17q24.1.
Variant type: single nucleotide variant.
Coding change: c.1052A>G on transcript NM_004655.4 (MANE Select); coding-DNA position 1052, A replaced by G.
Protein change: p.His351Arg; replaces histidine 351 with arginine.
Molecular consequence: missense variant.
Genome position (GRCh38, 1-based): chr17:65,541,462, T>C on the plus strand (A>G on the coding strand, the complement: AXIN2 is on the minus strand). VCF-style: chr17-65541462-T-C. GRCh37 (hg19) VCF-style: chr17-63537580-T-C.
Other names: c.1052A>G, p.His351Arg (NM_001363813.1); short protein forms H351R.
Identifiers: ClinVar variation 5032504 (VCV005032504.1).

ClinVar aggregate classification (germline): Uncertain significance (1 of 4 stars; one submission).

Conditions:
Hereditary cancer-predisposing syndrome. Also called: Neoplastic Syndromes, Hereditary; Tumor predisposition; Hereditary neoplastic syndrome; Hereditary Cancer Syndrome. Identifiers: Orphanet 140162, MedGen C0027672, MeSH D009386, MONDO:0015356.

Submission:

Ambry Genetics
Classification: Uncertain significance for Hereditary cancer-predisposing syndrome. Last evaluated: 2026-07-07. Review status: criteria provided, single submitter. Criteria: Ambry Variant Classification Scheme 2023. Collection method: clinical testing. Allele origin: germline.
Comment: The p.H351R variant (also known as c.1052A>G), located in coding exon 3 of the AXIN2 gene, results from an A to G substitution at nucleotide position 1052. The histidine at codon 351 is replaced by arginine, an amino acid with highly similar properties. This amino acid position is conserved. In addition, the in silico prediction for this alteration is inconclusive. Based on the available evidence, the clinical significance of this variant remains unclear.